The following is an entry in ClinVar:

ClinVar aggregate classification (germline): Uncertain significance (1 of 4 stars; one submission).

Conditions:
Developmental and epileptic encephalopathy, 11 (DEE11). Also called: Early infantile epileptic encephalopathy 11. Identifiers: Orphanet 1934, MedGen C3150987, MONDO:0013388, OMIM 613721.
Seizures, benign familial infantile, 3 (BFIS3). Also called: CONVULSIONS, BENIGN FAMILIAL INFANTILE, 3; Familial neonatal seizures. Identifiers: Orphanet 140927, Orphanet 306, MedGen C1843140, MONDO:0011904, OMIM 607745.

Submission:

Labcorp Genetics (formerly Invitae), Labcorp
Classification: Uncertain significance for Seizures, benign familial infantile, 3; Developmental and epileptic encephalopathy, 11. Last evaluated: 2025-05-01. Review status: criteria provided, single submitter. Criteria: Invitae Variant Classification Sherloc (09022015). Collection method: clinical testing. Allele origin: germline.
Comment: This sequence change replaces valine, which is neutral and non-polar, with leucine, which is neutral and non-polar, at codon 1928 of the SCN2A protein (p.Val1928Leu). This variant is not present in population databases (gnomAD no frequency). This variant has not been reported in the literature in individuals affected with SCN2A-related conditions. Invitae Evidence Modeling of protein sequence and biophysical properties (such as structural, functional, and spatial information, amino acid conservation, physicochemical variation, residue mobility, and thermodynamic stability) indicates that this missense variant is not expected to disrupt SCN2A protein function with a negative predictive value of 95%. In summary, the available evidence is currently insufficient to determine the role of this variant in disease. Therefore, it has been classified as a Variant of Uncertain Significance.

NM_001040142.2(SCN2A):c.5782G>C (p.Val1928Leu)

Gene: SCN2A (sodium voltage-gated channel alpha subunit 2; plus strand). Cytogenetic location: 2q24.3.
Variant type: single nucleotide variant.
Coding change: c.5782G>C on transcript NM_001040142.2 (MANE Select); coding-DNA position 5782, G replaced by C.
Protein change: p.Val1928Leu; replaces valine 1928 with leucine.
Molecular consequence: missense variant.
Genome position (GRCh38, 1-based): chr2:165,389,588, G>C. VCF-style: chr2-165389588-G-C. GRCh37 (hg19) VCF-style: chr2-166246098-G-C.
Other names: c.5782G>C, p.Val1928Leu (NM_001040143.2, NM_001371246.1, NM_001371247.1 and 1 more transcripts); short protein forms V1928L.
Identifiers: ClinVar variation 4789355 (VCV004789355.1).